The following is an entry in ClinVar:

NM_001375524.1(TRRAP):c.3301G>T (p.Ala1101Ser)

Gene: TRRAP (transformation/transcription domain associated protein; plus strand). Cytogenetic location: 7q22.1.
Variant type: single nucleotide variant.
Coding change: c.3301G>T on transcript NM_001375524.1 (MANE Select); coding-DNA position 3301, G replaced by T.
Protein change: p.Ala1101Ser; replaces alanine 1101 with serine.
Molecular consequence: missense variant.
Genome position (GRCh38, 1-based): chr7:98,930,114, G>T. VCF-style: chr7-98930114-G-T. GRCh37 (hg19) VCF-style: chr7-98527737-G-T.
Other names: c.3301G>T, p.Ala1101Ser (NM_001244580.2, NM_003496.4); short protein forms A1101S.
Identifiers: ClinVar variation 1809922 (VCV001809922.5), dbSNP rs1790256766, ClinGen allele CA368299067.

ClinVar aggregate classification (germline): Uncertain significance. Review status: criteria provided, multiple submitters, no conflicts (2 of 4 stars). 2 submissions from 2 submitters: Uncertain significance (2). Last evaluated 2025-11-16.

Allele frequency attached by ClinVar (database versions not stated): gnomAD 0.00001; TOPMed 0.00001.
gnomAD v4.1: 1 of 1,614,070 alleles (0.000062%); highest among the groups gnomAD compares: Admixed American, 0.0017%; no homozygotes.

Submissions (2):

GeneDx
Classification: Uncertain significance. Last evaluated: 2025-11-16. Review status: criteria provided, single submitter. Criteria: GeneDx Variant Classification Process June 2021. Collection method: clinical testing. Allele origin: germline. Affected: yes.
Comment: Not observed at significant frequency in large population cohorts (gnomAD); In silico analysis suggests that this missense variant does not alter protein structure/function; Has not been previously published as pathogenic or benign to our knowledge

Labcorp Genetics (formerly Invitae), Labcorp
Classification: Uncertain significance. Last evaluated: 2024-06-29. Review status: criteria provided, single submitter. Criteria: Invitae Variant Classification Sherloc (09022015). Collection method: clinical testing. Allele origin: germline.
Comment: This sequence change replaces alanine, which is neutral and non-polar, with serine, which is neutral and polar, at codon 1101 of the TRRAP protein (p.Ala1101Ser). This variant is not present in population databases (gnomAD no frequency). This variant has not been reported in the literature in individuals affected with TRRAP-related conditions. ClinVar contains an entry for this variant (Variation ID: 1809922). Advanced modeling of protein sequence and biophysical properties (such as structural, functional, and spatial information, amino acid conservation, physicochemical variation, residue mobility, and thermodynamic stability) performed at Invitae indicates that this missense variant is not expected to disrupt TRRAP protein function with a negative predictive value of 80%. In summary, the available evidence is currently insufficient to determine the role of this variant in disease. Therefore, it has been classified as a Variant of Uncertain Significance.